The following is an entry in ClinVar:

ClinVar aggregate classification (germline): Uncertain significance (1 of 4 stars; one submission).

Allele frequency attached by ClinVar (database versions not stated): ExAC 0.00001; TOPMed 0.00006; gnomAD 0.00007; ESP Exome Variant Server 0.00008.
gnomAD v4.1: 15 of 1,613,696 alleles (0.00093%); highest among the groups gnomAD compares: African/African-American, 0.017%; no homozygotes.

Submission:

Ambry Genetics
Classification: Uncertain significance. Last evaluated: 2024-10-31. Review status: criteria provided, single submitter. Criteria: Ambry Variant Classification Scheme 2023. Collection method: clinical testing. Allele origin: germline.
Comment: The p.Y61C variant (also known as c.182A>G), located in coding exon 2 of the ALPK2 gene, results from an A to G substitution at nucleotide position 182. The tyrosine at codon 61 is replaced by cysteine, an amino acid with highly dissimilar properties. This amino acid position is conserved. In addition, this alteration is predicted to be tolerated by in silico analysis. Since supporting evidence is limited at this time, the clinical significance of this alteration remains unclear.

NM_052947.4(ALPK2):c.182A>G (p.Tyr61Cys)

Gene: ALPK2 (alpha kinase 2; minus strand). Cytogenetic location: 18q21.32.
Variant type: single nucleotide variant.
Coding change: c.182A>G on transcript NM_052947.4 (MANE Select); coding-DNA position 182, A replaced by G.
Protein change: p.Tyr61Cys; replaces tyrosine 61 with cysteine.
Molecular consequence: missense variant.
Genome position (GRCh38, 1-based): chr18:58,607,367, T>C on the plus strand (A>G on the coding strand, the complement: ALPK2 is on the minus strand). VCF-style: chr18-58607367-T-C. GRCh37 (hg19) VCF-style: chr18-56274599-T-C.
Other names: short protein forms Y61C.
Identifiers: ClinVar variation 1780909 (VCV001780909.4), dbSNP rs373237734, ClinGen allele CA8977516.